The following is an entry in ClinVar:

NM_003413.4(ZIC3):c.*2024G>C

Gene: ZIC3 (Zic family zinc finger 3; plus strand). Cytogenetic location: Xq26.3.
Variant type: single nucleotide variant.
Coding change: c.*2024G>C on transcript NM_003413.4 (MANE Select); 2024 bases downstream of the stop codon, G replaced by C.
Molecular consequence: 3 prime UTR variant. On other transcripts: intron variant (1).
Genome position (GRCh38, 1-based): chrX:137,572,094, G>C. VCF-style: chrX-137572094-G-C. GRCh37 (hg19) VCF-style: chrX-136654253-G-C.
Other names: c.1224+3029G>C (NM_001330661.1).
Identifiers: ClinVar variation 367963 (VCV000367963.6), dbSNP rs113057036, ClinGen allele CA10651731.

ClinVar aggregate classification (germline): Benign. Review status: criteria provided, single submitter (1 of 4 stars). 2 submissions from 1 submitter: Benign (2). Last evaluated 2018-01-13.

Conditions:
VACTERL association, X-linked, with or without hydrocephalus (VACTERLX). Also called: VACTERL-H, X-LINKED; VACTERL Association with Hydrocephalus, X-linked; X-linked VACTERL-H syndrome; VACTERL ASSOCIATION, X-LINKED. Identifiers: Orphanet 3412, MedGen C2931228, MONDO:0010752, OMIM 314390.
Heterotaxy, visceral, 1, X-linked (HTX1). Also called: DEXTROCARDIA WITH OTHER CARDIAC MALFORMATIONS; Laterality, X-linked; Visceral heterotaxia; SITUS INVERSUS, COMPLEX CARDIAC DEFECTS, AND SPLENIC DEFECTS, X-LINKED. Identifiers: Orphanet 450, MedGen C1844020, MONDO:0010607, OMIM 306955.

Allele frequency attached by ClinVar (database versions not stated): 1000 Genomes Project 0.00450; 1000 Genomes Project 30x 0.00499; TOPMed 0.00564.
gnomAD v4.1: 547 of 111,748 alleles (0.49%); highest among the groups gnomAD compares: African/African-American, 1.6%; 1 homozygote.

Submissions (2):

Illumina Laboratory Services, Illumina
Classification: Benign for Heterotaxy, visceral, 1, X-linked. Last evaluated: 2018-01-13. Review status: criteria provided, single submitter. Criteria: ICSL Variant Classification Criteria 13 December 2019. Collection method: clinical testing. Allele origin: germline.
Comment: This variant was observed in the ICSL laboratory as part of a predisposition screen in an ostensibly healthy population. It had not been previously curated by ICSL or reported in the Human Gene Mutation Database (HGMD: prior to June 1st, 2018), and was therefore a candidate for classification through an automated scoring system. Utilizing variant allele frequency, disease prevalence and penetrance estimates, and inheritance mode, an automated score was calculated to assess if this variant is too frequent to cause the disease. Based on the score and internal cut-off values, a variant classified as benign is not then subjected to further curation. The score for this variant resulted in a classification of benign for this disease.

Illumina Laboratory Services, Illumina
Classification: Benign for VACTERL association, X-linked, with or without hydrocephalus. Last evaluated: 2018-01-13. Review status: criteria provided, single submitter. Criteria: ICSL Variant Classification Criteria 13 December 2019. Collection method: clinical testing. Allele origin: germline.
Comment: the same text as in the submission from Illumina Laboratory Services, Illumina above.